The following is an entry in ClinVar:

ClinVar aggregate classification (germline): Pathogenic/Likely pathogenic. Review status: criteria provided, multiple submitters, no conflicts (2 of 4 stars). 2 submissions from 2 submitters: Pathogenic (1); Likely pathogenic (1). Last evaluated 2024-03-12.

Conditions:
Joubert syndrome 23 (JBTS23). Identifiers: Orphanet 475, MedGen C4084822, MONDO:0014664, OMIM 616490.

Allele frequency attached by ClinVar (database versions not stated): TOPMed below 0.00001.

Submissions (2):

Broad Center for Mendelian Genomics, Broad Institute of MIT and Harvard
Classification: Likely pathogenic for Joubert syndrome 23. Last evaluated: 2024-03-12. Review status: criteria provided, single submitter. Criteria: ACMG Guidelines, 2015. Collection method: curation. Allele origin: germline. Inheritance: Autosomal recessive inheritance.
Comment: We believe this is a possible phenotype expansion for autosomal recessive Joubert syndrome 23. The p.Gln263Ter variant in KIAA0586 has not been previously reported in the literature in individuals with Joubert syndrome 23 but has been identified in 0.0008% (1/125568) chromosomes by TopMed (dbSNP ID: rs985118235). Although this variant has been seen in the general population in a heterozygous state, its frequency is low enough to be consistent with a recessive carrier frequency. This variant has also been reported in ClinVar (Variation ID: 423877) and has been interpreted as pathogenic by GeneDx. This nonsense variant leads to a premature termination codon at position 316, which is predicted to lead to a truncated or absent protein. Loss of function of the KIAA0586 gene is strongly associated to autosomal recessive Joubert syndrome 23. In summary, although additional studies are required to fully establish its clinical significance, this variant is likely pathogenic for autosomal recessive Joubert syndrome 23. ACMG/AMP Criteria applied: PVS1_Strong, PM2_Supporting, PM3_Supporting (Richards 2015).

GeneDx
Classification: Pathogenic. Last evaluated: 2017-03-01. Review status: criteria provided, single submitter. Criteria: GeneDx Variant Classification (06012015). Collection method: clinical testing. Allele origin: germline. Affected: yes.
Comment: The Q316X variant in the KIAA0586 gene has not been reported previously as a pathogenic variant nor as a benign variant, to our knowledge. This variant is predicted to cause loss of normal protein function either through protein truncation or nonsense-mediated mRNA decay. The Q316X variant is not observed in large population cohorts (Lek et al., 2016; 1000 Genomes Consortium et al., 2015; Exome Variant Server). We interpret Q316X as a pathogenic variant.

Literature cited by the submitters: PubMed 39033378 (cited by Broad Center for Mendelian Genomics, Broad Institute of MIT and Harvard).

NM_001329943.3(KIAA0586):c.787C>T (p.Gln263Ter)

Gene: KIAA0586 (KIAA0586; plus strand). Cytogenetic location: 14q23.1.
Variant type: single nucleotide variant.
Coding change: c.787C>T on transcript NM_001329943.3 (MANE Select); coding-DNA position 787, C replaced by T.
Protein change: p.Gln263Ter; replaces glutamine 263 with a stop codon.
Molecular consequence: nonsense.
Genome position (GRCh38, 1-based): chr14:58,444,155, C>T. VCF-style: chr14-58444155-C-T. GRCh37 (hg19) VCF-style: chr14-58910873-C-T.
Other names: NM_001329943.3(KIAA0586):c.787C>T; p.Gln263Ter; c.946C>T, p.Gln316Ter (NM_001244189.2); c.742C>T, p.Gln248Ter (NM_001244190.2); c.532C>T, p.Gln178Ter (NM_001244191.2, NM_001329945.2, NM_001364700.1 and 1 more transcripts); c.655C>T, p.Gln219Ter (NM_001244192.2); c.367C>T, p.Gln123Ter (NM_001244193.2); c.787C>T, p.Gln263Ter (NM_001329944.2, NM_001329946.2, NM_001329947.2 and 1 more transcripts); short protein forms Q263*, Q316*, Q219*, Q123*, Q178*, Q248*.
Identifiers: ClinVar variation 423877 (VCV000423877.3), dbSNP rs985118235, ClinGen allele CA16619878.